The following is an entry in ClinVar:

ClinVar aggregate classification (germline): Uncertain significance (1 of 4 stars; one submission).

gnomAD v4.1: 2 of 1,613,494 alleles (0.00012%); highest among the groups gnomAD compares: East Asian, 0.0022%; no homozygotes.

Submission:

Labcorp Genetics (formerly Invitae), Labcorp
Classification: Uncertain significance. Last evaluated: 2025-08-20. Review status: criteria provided, single submitter. Criteria: Invitae Variant Classification Sherloc (09022015). Collection method: clinical testing. Allele origin: germline.
Comment: This sequence change replaces glutamine, which is neutral and polar, with glutamic acid, which is acidic and polar, at codon 1221 of the SUCO protein (p.Gln1221Glu). This variant is not present in population databases (gnomAD no frequency). This variant has not been reported in the literature in individuals affected with SUCO-related conditions. An algorithm developed to predict the effect of missense changes on protein structure and function (PolyPhen-2) suggests that this variant is likely to be disruptive. In summary, the available evidence is currently insufficient to determine the role of this variant in disease. Therefore, it has been classified as a Variant of Uncertain Significance.

NM_014283.5(SUCO):c.3661C>G (p.Gln1221Glu)

Gene: SUCO (SUN domain containing ossification factor; plus strand). Cytogenetic location: 1q24.3.
Variant type: single nucleotide variant.
Coding change: c.3661C>G on transcript NM_014283.5 (MANE Select); coding-DNA position 3661, C replaced by G.
Protein change: p.Gln1221Glu; replaces glutamine 1221 with glutamic acid.
Molecular consequence: missense variant.
Genome position (GRCh38, 1-based): chr1:172,610,155, C>G. VCF-style: chr1-172610155-C-G. GRCh37 (hg19) VCF-style: chr1-172579295-C-G.
Other names: c.2548C>G, p.Gln850Glu (NM_001282750.2); c.1972C>G, p.Gln658Glu (NM_001282751.2); c.4114C>G, p.Gln1372Glu (NM_016227.4); short protein forms Q1221E, Q1372E, Q658E, Q850E.
Identifiers: ClinVar variation 4806986 (VCV004806986.1).